The following is an entry in ClinVar:

ClinVar aggregate classification (germline): Uncertain significance (1 of 4 stars; one submission).

Conditions:
Multiple congenital anomalies-hypotonia-seizures syndrome 1 (MCAHS1). Also called: GLYCOSYLPHOSPHATIDYLINOSITOL BIOSYNTHESIS DEFECT 3; PIGN-CDG; Congenital disorder of glycosylation due to PIGN deficiency. Identifiers: Orphanet 280633, MedGen C3279775, MONDO:0013563, OMIM 614080.

Submission:

3billion
Classification: Uncertain significance for Multiple congenital anomalies-hypotonia-seizures syndrome 1. Last evaluated: 2026-01-23. Review status: criteria provided, single submitter. Criteria: ACMG Guidelines, 2015. Collection method: clinical testing. Allele origin: germline. Affected: yes.
Comment: The variant is not observed in the gnomAD v4.1.0 dataset. Predicted Consequence/Location: Inframe deletion-insertion Therefore, this variant is classified as VUS according to the recommendation of ACMG/AMP guideline.

NM_176787.5(PIGN):c.1213_1218delinsACAGTTCTG (p.Ala405_Arg406delinsThrValLeu)

Gene: PIGN (phosphatidylinositol glycan anchor biosynthesis class N; minus strand). Cytogenetic location: 18q21.33.
Variant type: Indel.
Coding change: c.1213_1218delinsACAGTTCTG on transcript NM_176787.5 (MANE Select); coding-DNA positions 1213 to 1218, GCAAGA replaced by ACAGTTCTG.
Protein change: p.Ala405_Arg406delinsThrValLeu.
Molecular consequence: inframe indel. On other transcripts: intron variant (1).
Genome position (GRCh38, 1-based): chr18:62,114,594-62,114,599, TCTTGC replaced by CAGAACTGT on the plus strand (GCAAGA replaced by ACAGTTCTG on the coding strand, the reverse complement: PIGN is on the minus strand). VCF-style: chr18-62114594-TCTTGC-CAGAACTGT. GRCh37 (hg19) VCF-style: chr18-59781827-TCTTGC-CAGAACTGT.
Other names: c.1213_1218delinsACAGTTCTG, p.Ala405_Arg406delinsThrValLeu (NM_001438896.1, NM_001438904.1, NM_001438905.1 and 1 more transcripts); c.1173-7514_1173-7509delinsACAGTTCTG (NM_001438910.1).
Identifiers: ClinVar variation 4855746 (VCV004855746.1).
Genomic context (GRCh38, chr18:62,114,594, plus strand): 5'-TTATGTCTATAAGGCCGGTATACTTACCACTTCATCAAACTTTCTGTGTTTTATATAAGA[TCTTGC>CAGAACTGT]TTTTCTTAAAATGTTGAACTGTTTGGAATCAGAAAGCAGTCTATATATAAAAAAAAGAAT-3'